The following is an entry in ClinVar:

NM_000052.7(ATP7A):c.4247A>G (p.Glu1416Gly)

Gene: ATP7A (ATPase copper transporting alpha; plus strand). Cytogenetic location: Xq21.1.
Variant type: single nucleotide variant.
Coding change: c.4247A>G on transcript NM_000052.7 (MANE Select); coding-DNA position 4247, A replaced by G.
Protein change: p.Glu1416Gly; replaces glutamic acid 1416 with glycine.
Molecular consequence: missense variant. On other transcripts: non-coding transcript variant (1).
Genome position (GRCh38, 1-based): chrX:78,046,314, A>G. VCF-style: chrX-78046314-A-G. GRCh37 (hg19) VCF-style: chrX-77301811-A-G.
Other names: c.4013A>G, p.Glu1338Gly (NM_001282224.2); short protein forms E1338G, E1416G.
Identifiers: ClinVar variation 1406196 (VCV001406196.6), dbSNP rs2149113944, ClinGen allele CA413606004.
Genomic context (GRCh38, chrX:78,046,314, plus strand): 5'-TTTGGTTATTTGAAACTAGCATACTTTTGCATATGTCCAGTTACAGGAAACCAACTTACG[A>G]GAGTTATGAACTGCCTGCCCGGAGCCAGATAGGACAGAAGAGTCCTTCAGAAATCAGCGT-3'
Protein context (NP_000043.4, residues 1406-1426): FLKLYRKPTY[Glu1416Gly]SYELPARSQI

ClinVar aggregate classification (germline): Uncertain significance (1 of 4 stars; one submission).

Conditions:
Cutis laxa, X-linked (OHS). Also called: EDS IX; Occipital horn syndrome. Identifiers: Orphanet 198, MedGen C0268353, MONDO:0010572, OMIM 304150.
X-linked distal spinal muscular atrophy type 3. Also called: ATP7A-Related Distal Motor Neuropathy; SPINAL MUSCULAR ATROPHY, DISTAL, X-LINKED RECESSIVE; NEUROPATHY, DISTAL HEREDITARY MOTOR, X-LINKED; NEURONOPATHY, DISTAL HEREDITARY MOTOR, X-LINKED. Identifiers: Orphanet 139557, MedGen C1845359, MONDO:0010338, OMIM 300489.
Menkes kinky-hair syndrome (MNK). Also called: Classic Menkes Disease; Copper transport disease; Menkes Disease. Identifiers: Orphanet 565, MedGen C0022716, MONDO:0010651, OMIM 309400.

Submission:

Labcorp Genetics (formerly Invitae), Labcorp
Classification: Uncertain significance for X-linked distal spinal muscular atrophy type 3; Cutis laxa, X-linked; Menkes kinky-hair syndrome. Last evaluated: 2025-05-02. Review status: criteria provided, single submitter. Criteria: Invitae Variant Classification Sherloc (09022015). Collection method: clinical testing. Allele origin: germline.
Comment: This sequence change replaces glutamic acid, which is acidic and polar, with glycine, which is neutral and non-polar, at codon 1416 of the ATP7A protein (p.Glu1416Gly). This variant is not present in population databases (gnomAD no frequency). This variant has not been reported in the literature in individuals affected with ATP7A-related conditions. ClinVar contains an entry for this variant (Variation ID: 1406196). Invitae Evidence Modeling of protein sequence and biophysical properties (such as structural, functional, and spatial information, amino acid conservation, physicochemical variation, residue mobility, and thermodynamic stability) indicates that this missense variant is not expected to disrupt ATP7A protein function with a negative predictive value of 95%. In summary, the available evidence is currently insufficient to determine the role of this variant in disease. Therefore, it has been classified as a Variant of Uncertain Significance.